The following is an entry in ClinVar:

ClinVar aggregate classification (germline): Uncertain significance. Review status: criteria provided, multiple submitters, no conflicts (2 of 4 stars). 2 submissions from 2 submitters: Uncertain significance (2). Last evaluated 2023-12-28.

Conditions:
Inborn genetic diseases. Identifiers: MedGen C0950123, MeSH D030342.

Allele frequency attached by ClinVar (database versions not stated): ExAC 0.00001; gnomAD exomes 0.00001; TOPMed 0.00001; gnomAD 0.00002.
gnomAD v4.1: 19 of 1,613,834 alleles (0.0012%); highest among the groups gnomAD compares: Non-Finnish European, 0.0014%; no homozygotes.

Submissions (2):

GeneDx
Classification: Uncertain significance. Last evaluated: 2023-12-28. Review status: criteria provided, single submitter. Criteria: GeneDx Variant Classification Process June 2021. Collection method: clinical testing. Allele origin: germline. Affected: yes.
Comment: Not observed at significant frequency in large population cohorts (gnomAD); In silico analysis supports that this missense variant has a deleterious effect on protein structure/function; Has not been previously published as pathogenic or benign to our knowledge

Ambry Genetics
Classification: Uncertain significance for Inborn genetic diseases. Last evaluated: 2023-12-19. Review status: criteria provided, single submitter. Criteria: Ambry Variant Classification Scheme 2023. Collection method: clinical testing. Allele origin: germline.

NM_007055.4(POLR3A):c.3085C>G (p.Pro1029Ala)

Gene: POLR3A (RNA polymerase III subunit A; minus strand). Cytogenetic location: 10q22.3.
Variant type: single nucleotide variant.
Coding change: c.3085C>G on transcript NM_007055.4 (MANE Select); coding-DNA position 3085, C replaced by G.
Protein change: p.Pro1029Ala; replaces proline 1029 with alanine.
Molecular consequence: missense variant.
Genome position (GRCh38, 1-based): chr10:77,985,327, G>C on the plus strand (C>G on the coding strand, the complement: POLR3A is on the minus strand). VCF-style: chr10-77985327-G-C. GRCh37 (hg19) VCF-style: chr10-79745085-G-C.
Other names: short protein forms P1029A.
Identifiers: ClinVar variation 3216563 (VCV003216563.2), dbSNP rs772849272, ClinGen allele CA5570922.